The following is an entry in ClinVar:

ClinVar aggregate classification (germline): Uncertain significance. Review status: criteria provided, multiple submitters, no conflicts (2 of 4 stars). 2 submissions from 2 submitters: Uncertain significance (2). Last evaluated 2026-07-20.

Conditions:
Inborn genetic diseases. Identifiers: MedGen C0950123, MeSH D030342.

Allele frequency attached by ClinVar (database versions not stated): TOPMed below 0.00001; 1000 Genomes Project 30x 0.00016; gnomAD 0.00001; 1000 Genomes Project 0.00020.
gnomAD v4.1: 1 of 1,614,238 alleles (0.000062%); highest among the groups gnomAD compares: Non-Finnish European, 0.000085%; no homozygotes.

Submissions (2):

Ambry Genetics
Classification: Uncertain significance for Inborn genetic diseases. Last evaluated: 2026-07-20. Review status: criteria provided, single submitter. Criteria: Ambry Variant Classification Scheme 2023. Collection method: clinical testing. Allele origin: germline.

Labcorp Genetics (formerly Invitae), Labcorp
Classification: Uncertain significance. Last evaluated: 2023-11-03. Review status: criteria provided, single submitter. Criteria: Invitae Variant Classification Sherloc (09022015). Collection method: clinical testing. Allele origin: germline.
Comment: This sequence change replaces serine, which is neutral and polar, with glycine, which is neutral and non-polar, at codon 736 of the ADNP protein (p.Ser736Gly). This variant is not present in population databases (gnomAD no frequency). This variant has not been reported in the literature in individuals affected with ADNP-related conditions. An algorithm developed to predict the effect of missense changes on protein structure and function (PolyPhen-2) suggests that this variant is likely to be tolerated. In summary, the available evidence is currently insufficient to determine the role of this variant in disease. Therefore, it has been classified as a Variant of Uncertain Significance.

NM_001282531.3(ADNP):c.2206A>G (p.Ser736Gly)

Gene: ADNP (activity dependent neuroprotector homeobox; minus strand). Cytogenetic location: 20q13.13.
Variant type: single nucleotide variant.
Coding change: c.2206A>G on transcript NM_001282531.3 (MANE Select); coding-DNA position 2206, A replaced by G.
Protein change: p.Ser736Gly; replaces serine 736 with glycine.
Molecular consequence: missense variant.
Genome position (GRCh38, 1-based): chr20:50,892,508, T>C on the plus strand (A>G on the coding strand, the complement: ADNP is on the minus strand). VCF-style: chr20-50892508-T-C. GRCh37 (hg19) VCF-style: chr20-49509045-T-C.
Other names: c.2206A>G, p.Ser736Gly (NM_001282532.2, NM_001347511.2, NM_015339.5 and 1 more transcripts); c.2206A>G (NM_015339.2); short protein forms S736G.
Identifiers: ClinVar variation 2958769 (VCV002958769.4), dbSNP rs143847419, ClinGen allele CA315257009.